The following is an entry in ClinVar:

NM_006231.4(POLE):c.5051T>C (p.Leu1684Pro)

Gene: POLE (DNA polymerase epsilon, catalytic subunit; minus strand). Cytogenetic location: 12q24.33.
Variant type: single nucleotide variant.
Coding change: c.5051T>C on transcript NM_006231.4 (MANE Select); coding-DNA position 5051, T replaced by C.
Protein change: p.Leu1684Pro; replaces leucine 1684 with proline.
Molecular consequence: missense variant.
Genome position (GRCh38, 1-based): chr12:132,642,299, A>G on the plus strand (T>C on the coding strand, the complement: POLE is on the minus strand). VCF-style: chr12-132642299-A-G. GRCh37 (hg19) VCF-style: chr12-133218885-A-G.
Other names: short protein forms L1684P.
Identifiers: ClinVar variation 4672344 (VCV004672344.1).

ClinVar aggregate classification (germline): Uncertain significance (1 of 4 stars; one submission).

Conditions:
Hereditary cancer-predisposing syndrome. Also called: Neoplastic Syndromes, Hereditary; Tumor predisposition; Hereditary Cancer Syndrome; Hereditary neoplastic syndrome. Identifiers: Orphanet 140162, MedGen C0027672, MeSH D009386, MONDO:0015356.

Submission:

Ambry Genetics
Classification: Uncertain significance for Hereditary cancer-predisposing syndrome. Last evaluated: 2025-11-09. Review status: criteria provided, single submitter. Criteria: Ambry Variant Classification Scheme 2023. Collection method: clinical testing. Allele origin: germline.
Comment: The p.L1684P variant (also known as c.5051T>C), located in coding exon 38 of the POLE gene, results from a T to C substitution at nucleotide position 5051. The leucine at codon 1684 is replaced by proline, an amino acid with similar properties. This amino acid position is conserved. In addition, this alteration is predicted to be deleterious by in silico analysis. Based on the available evidence, the clinical significance of this variant remains unclear.